The following is an entry in ClinVar:

NM_012453.4(TBL2):c.599-7C>A

Gene: TBL2 (transducin beta like 2; minus strand). Cytogenetic location: 7q11.23.
Variant type: single nucleotide variant.
Coding change: c.599-7C>A on transcript NM_012453.4 (MANE Select); 7 bases into the intron before coding-DNA position 599, C replaced by A.
Molecular consequence: intron variant.
Genome position (GRCh38, 1-based): chr7:73,572,977, G>T on the plus strand (C>A on the coding strand, the complement: TBL2 is on the minus strand). VCF-style: chr7-73572977-G-T. GRCh37 (hg19) VCF-style: chr7-72987307-G-T.
Other names: c.104-7C>A (NM_001362661.2, NM_001362662.2, NM_001362663.2); c.500-7C>A (NM_001362660.2).
Identifiers: ClinVar variation 3771446 (VCV003771446.13).

ClinVar aggregate classification (germline): Uncertain significance (1 of 4 stars; one submission).

gnomAD v4.1: 1 of 1,614,116 alleles (0.000062%); highest among the groups gnomAD compares: Non-Finnish European, 0.000085%; no homozygotes.

Submission:

CeGaT Center for Human Genetics Tuebingen
Classification: Uncertain significance. Last evaluated: 2025-02-01. Review status: criteria provided, single submitter. Criteria: CeGaT Center For Human Genetics Tuebingen Variant Classification Criteria Version 2. Collection method: clinical testing. Allele origin: germline. Affected: yes. Observed: 1 variant allele.
Comment: TBL2: PM2, PP3